The following is an entry in ClinVar:

ClinVar aggregate classification (germline): Uncertain significance (1 of 4 stars; one submission).

Allele frequency attached by ClinVar (database versions not stated): ExAC 0.00001.
gnomAD v4.1: 3 of 1,613,058 alleles (0.00019%); highest among the groups gnomAD compares: East Asian, 0.0067%; no homozygotes.

Submission:

Labcorp Genetics (formerly Invitae), Labcorp
Classification: Uncertain significance. Last evaluated: 2024-04-25. Review status: criteria provided, single submitter. Criteria: Invitae Variant Classification Sherloc (09022015). Collection method: clinical testing. Allele origin: germline.
Comment: This sequence change replaces alanine, which is neutral and non-polar, with proline, which is neutral and non-polar, at codon 1685 of the TUBGCP6 protein (p.Ala1685Pro). This variant is present in population databases (rs367630361, gnomAD 0.01%). This variant has not been reported in the literature in individuals affected with TUBGCP6-related conditions. An algorithm developed to predict the effect of missense changes on protein structure and function (PolyPhen-2) suggests that this variant is likely to be disruptive. In summary, the available evidence is currently insufficient to determine the role of this variant in disease. Therefore, it has been classified as a Variant of Uncertain Significance.

NM_020461.4(TUBGCP6):c.5053G>C (p.Ala1685Pro)

Gene: TUBGCP6 (tubulin gamma complex component 6; minus strand). Cytogenetic location: 22q13.33.
Variant type: single nucleotide variant.
Coding change: c.5053G>C on transcript NM_020461.4 (MANE Select); coding-DNA position 5053, G replaced by C.
Protein change: p.Ala1685Pro; replaces alanine 1685 with proline.
Molecular consequence: missense variant.
Genome position (GRCh38, 1-based): chr22:50,218,304, C>G on the plus strand (G>C on the coding strand, the complement: TUBGCP6 is on the minus strand). VCF-style: chr22-50218304-C-G. GRCh37 (hg19) VCF-style: chr22-50656733-C-G.
Other names: short protein forms A1685P.
Identifiers: ClinVar variation 2747387 (VCV002747387.3), dbSNP rs367630361, ClinGen allele CA10307197.